The following is an entry in ClinVar:

ClinVar aggregate classification (germline): Uncertain significance (1 of 4 stars; one submission).

gnomAD v4.1: 4 of 1,605,640 alleles (0.00025%); highest among the groups gnomAD compares: Non-Finnish European, 0.00034%; no homozygotes.

Submission:

Labcorp Genetics (formerly Invitae), Labcorp
Classification: Uncertain significance. Last evaluated: 2025-01-16. Review status: criteria provided, single submitter. Criteria: Invitae Variant Classification Sherloc (09022015). Collection method: clinical testing. Allele origin: germline.
Comment: This sequence change replaces serine, which is neutral and polar, with arginine, which is basic and polar, at codon 873 of the GEN1 protein (p.Ser873Arg). This variant is not present in population databases (gnomAD no frequency). This variant has not been reported in the literature in individuals affected with GEN1-related conditions. An algorithm developed to predict the effect of missense changes on protein structure and function outputs the following: PolyPhen-2: "Benign". The arginine amino acid residue is found in multiple mammalian species, which suggests that this missense change does not adversely affect protein function. In summary, the available evidence is currently insufficient to determine the role of this variant in disease. Therefore, it has been classified as a Variant of Uncertain Significance.

NM_001130009.3(GEN1):c.2617A>C (p.Ser873Arg)

Gene: GEN1 (GEN1 structure-specific endonuclease; plus strand). Cytogenetic location: 2p24.2.
Variant type: single nucleotide variant.
Coding change: c.2617A>C on transcript NM_001130009.3 (MANE Select); coding-DNA position 2617, A replaced by C.
Protein change: p.Ser873Arg; replaces serine 873 with arginine.
Molecular consequence: missense variant.
Genome position (GRCh38, 1-based): chr2:17,781,829, A>C. VCF-style: chr2-17781829-A-C. GRCh37 (hg19) VCF-style: chr2-17963096-A-C.
Other names: c.2617A>C, p.Ser873Arg (NM_182625.5); short protein forms S873R.
Identifiers: ClinVar variation 3701713 (VCV003701713.2).